The following is an entry in ClinVar:

ClinVar aggregate classification (germline): Uncertain significance. Review status: criteria provided, multiple submitters, no conflicts (2 of 4 stars). 2 submissions from 2 submitters: Uncertain significance (2). Last evaluated 2025-04-09.

Conditions:
Hereditary cancer-predisposing syndrome. Also called: Neoplastic Syndromes, Hereditary; Tumor predisposition; Hereditary Cancer Syndrome; Hereditary neoplastic syndrome. Identifiers: Orphanet 140162, MedGen C0027672, MeSH D009386, MONDO:0015356.

Allele frequency attached by ClinVar (database versions not stated): gnomAD exomes below 0.00001.
gnomAD v4.1: 8 of 1,612,946 alleles (0.0005%); highest among the groups gnomAD compares: Non-Finnish European, 0.00051%; no homozygotes.

Submissions (2):

Ambry Genetics
Classification: Uncertain significance for Hereditary cancer-predisposing syndrome. Last evaluated: 2025-04-09. Review status: criteria provided, single submitter. Criteria: Ambry Variant Classification Scheme 2023. Collection method: clinical testing. Allele origin: germline.
Comment: The p.I223V variant (also known as c.667A>G), located in coding exon 5 of the RAD50 gene, results from an A to G substitution at nucleotide position 667. The isoleucine at codon 223 is replaced by valine, an amino acid with highly similar properties. This amino acid position is highly conserved in available vertebrate species. In addition, this alteration is predicted to be possibly damaging and tolerated by PolyPhen and SIFT in silico analyses, respectively. Since supporting evidence is limited at this time, the clinical significance of this alteration remains unclear.

Labcorp Genetics (formerly Invitae), Labcorp
Classification: Uncertain significance for Hereditary cancer-predisposing syndrome. Last evaluated: 2023-10-18. Review status: criteria provided, single submitter. Criteria: Invitae Variant Classification Sherloc (09022015). Collection method: clinical testing. Allele origin: germline.
Comment: This sequence change replaces isoleucine, which is neutral and non-polar, with valine, which is neutral and non-polar, at codon 223 of the RAD50 protein (p.Ile223Val). This variant is not present in population databases (gnomAD no frequency). This variant has not been reported in the literature in individuals affected with RAD50-related conditions. ClinVar contains an entry for this variant (Variation ID: 186583). Advanced modeling of protein sequence and biophysical properties (such as structural, functional, and spatial information, amino acid conservation, physicochemical variation, residue mobility, and thermodynamic stability) has been performed at Invitae for this missense variant, however the output from this modeling did not meet the statistical confidence thresholds required to predict the impact of this variant on RAD50 protein function. In summary, the available evidence is currently insufficient to determine the role of this variant in disease. Therefore, it has been classified as a Variant of Uncertain Significance.

NM_005732.4(RAD50):c.667A>G (p.Ile223Val)

Gene: RAD50 (RAD50 double strand break repair protein; plus strand). Cytogenetic location: 5q31.1.
Variant type: single nucleotide variant.
Coding change: c.667A>G on transcript NM_005732.4 (MANE Select); coding-DNA position 667, A replaced by G.
Protein change: p.Ile223Val; replaces isoleucine 223 with valine.
Molecular consequence: missense variant.
Genome position (GRCh38, 1-based): chr5:132,579,977, A>G. VCF-style: chr5-132579977-A-G. GRCh37 (hg19) VCF-style: chr5-131915669-A-G.
Other names: short protein forms I223V.
Identifiers: ClinVar variation 186583 (VCV000186583.13), dbSNP rs786203061, ClinGen allele CA195229.